The following is an entry in ClinVar:

NM_005334.3(HCFC1):c.2849C>T (p.Thr950Ile)

Gene: HCFC1 (host cell factor C1; minus strand). Cytogenetic location: Xq28.
Variant type: single nucleotide variant.
Coding change: c.2849C>T on transcript NM_005334.3 (MANE Select); coding-DNA position 2849, C replaced by T.
Protein change: p.Thr950Ile; replaces threonine 950 with isoleucine.
Molecular consequence: missense variant.
Genome position (GRCh38, 1-based): chrX:153,956,198, G>A on the plus strand (C>T on the coding strand, the complement: HCFC1 is on the minus strand). VCF-style: chrX-153956198-G-A. GRCh37 (hg19) VCF-style: chrX-153221649-G-A.
Other names: c.2849C>T, p.Thr950Ile (NM_001410705.1); short protein forms T950I.
Identifiers: ClinVar variation 4075161 (VCV004075161.2).

ClinVar aggregate classification (germline): Uncertain significance. Review status: criteria provided, multiple submitters, no conflicts (2 of 4 stars). 2 submissions from 2 submitters: Uncertain significance (2). Last evaluated 2025-10-16.

Conditions:
Intellectual disability. Also called: Intellectual functioning disability; intellectual disabilities; Intellectual developmental disorder. Identifiers: MedGen C3714756, MeSH D008607, MONDO:0001071, HP:0001249.

Submissions (2):

Women's Health and Genetics/Laboratory Corporation of America, LabCorp
Classification: Uncertain significance. Last evaluated: 2025-10-16. Review status: criteria provided, single submitter. Criteria: LabCorp Variant Classification Summary - May 2015. Collection method: clinical testing. Allele origin: germline.
Comment: Variant summary: HCFC1 c.2849C>T (p.Thr950Ile) results in a non-conservative amino acid change in the encoded protein sequence. Algorithms developed to predict the effect of missense changes on protein structure and function are either unavailable or do not agree on the potential impact of this missense change. The variant was absent in 181069 control chromosomes. The available data on variant occurrences in the general population are insufficient to allow any conclusion about variant significance. To our knowledge, no occurrence of c.2849C>T in individuals affected with HCFC1-related conditions with strong evidence for causality and no experimental evidence demonstrating its impact on protein function have been reported. ClinVar contains an entry for this variant (Variation ID: 4075161). Based on the evidence outlined above, the variant was classified as uncertain significance.

Cambridge Genomics Laboratory, East Genomic Laboratory Hub, NHS Genomic Medicine Service
Classification: Uncertain significance for Intellectual disability. Last evaluated: 2020-04-08. Review status: criteria provided, single submitter. Criteria: ACGS Best Practice Guidelines for Variant Classification in Rare Disease 2020. Collection method: clinical testing. Allele origin: germline. Affected: yes. Observed: 1 variant allele.